The following is an entry in ClinVar:

NM_006017.3(PROM1):c.1182C>T (p.Asp394=)

Gene: PROM1 (prominin 1; minus strand). Cytogenetic location: 4p15.32.
Variant type: single nucleotide variant.
Coding change: c.1182C>T on transcript NM_006017.3 (MANE Select); coding-DNA position 1182, C replaced by T.
Protein change: p.Asp394=; no amino-acid change (aspartic acid 394 retained).
Molecular consequence: synonymous variant.
Genome position (GRCh38, 1-based): chr4:16,009,068, G>A on the plus strand (C>T on the coding strand, the complement: PROM1 is on the minus strand). VCF-style: chr4-16009068-G-A. GRCh37 (hg19) VCF-style: chr4-16010691-G-A.
Other names: c.1155C>T, p.Asp385= (NM_001145847.2, NM_001145848.2, NM_001145851.2 and 4 more transcripts); c.1182C>T, p.Asp394= (NM_001145849.2, NM_001145850.2); c.1182C>T (NM_006017.2).
Identifiers: ClinVar variation 1538822 (VCV001538822.9), dbSNP rs769140245, ClinGen allele CA2866841.
Genomic context (GRCh38, chr4:16,009,068, plus strand): 5'-ATTAACATAAACAGAGAATGCTGAGAGTATATCCTGAATAGGAAGACGCTGAGTTACATT[G>A]TCGATATCTGAACCAATGGAATTCAAGACCCTTTTGATACCTGAAAACAAAGATACCTTT-3'
Protein context (NP_006008.1, residues 384-404): RVLNSIGSDI[Asp394=]NVTQRLPIQD

ClinVar aggregate classification (germline): Likely benign. Review status: criteria provided, multiple submitters, no conflicts (2 of 4 stars). 2 submissions from 2 submitters: Likely benign (2). Last evaluated 2025-03-20.

Conditions:
PROM1-related disorder. Also called: PROM1-related condition; PROM1-related disorders.

Allele frequency attached by ClinVar (database versions not stated): gnomAD exomes below 0.00001 and 0.00001; ExAC 0.00003.
gnomAD v4.1: 8 of 1,611,994 alleles (0.0005%); highest among the groups gnomAD compares: South Asian, 0.0044%; no homozygotes.

Submissions (2):

PreventionGenetics, part of Exact Sciences
Classification: Likely benign for PROM1-related condition. Last evaluated: 2025-03-20. Review status: criteria provided, single submitter. Criteria: ACMG Guidelines, 2015. Collection method: clinical testing. Allele origin: germline.
Comment: This variant is classified as likely benign based on ACMG/AMP sequence variant interpretation guidelines (Richards et al. 2015 PMID: 25741868, with internal and published modifications).

Labcorp Genetics (formerly Invitae), Labcorp
Classification: Likely benign. Last evaluated: 2021-03-07. Review status: criteria provided, single submitter. Criteria: Invitae Variant Classification Sherloc (09022015). Collection method: clinical testing. Allele origin: germline.